The following is an entry in ClinVar:

ClinVar aggregate classification (germline): Uncertain significance. Review status: criteria provided, multiple submitters, no conflicts (2 of 4 stars). 2 submissions from 2 submitters: Uncertain significance (2). Last evaluated 2024-10-23.

Allele frequency attached by ClinVar (database versions not stated): TOPMed 0.00001.

Submissions (2):

Labcorp Genetics (formerly Invitae), Labcorp
Classification: Uncertain significance. Last evaluated: 2024-10-23. Review status: criteria provided, single submitter. Criteria: Invitae Variant Classification Sherloc (09022015). Collection method: clinical testing. Allele origin: germline.
Comment: This sequence change replaces lysine with arginine at codon 956 of the CEP250 protein (p.Lys956Arg). The lysine residue is moderately conserved and there is a small physicochemical difference between lysine and arginine. This variant is not present in population databases (gnomAD no frequency). This variant has not been reported in the literature in individuals affected with CEP250-related conditions. ClinVar contains an entry for this variant (Variation ID: 1383369). An algorithm developed to predict the effect of missense changes on protein structure and function (PolyPhen-2) suggests that this variant is likely to be disruptive. In summary, the available evidence is currently insufficient to determine the role of this variant in disease. Therefore, it has been classified as a Variant of Uncertain Significance.

Blueprint Genetics
Classification: Uncertain significance. Last evaluated: 2022-01-05. Review status: criteria provided, single submitter. Criteria: ACMG Guidelines, 2015. Collection method: clinical testing. Allele origin: germline.

NM_007186.6(CEP250):c.2867A>G (p.Lys956Arg)

Gene: CEP250 (centrosomal protein 250; plus strand). Cytogenetic location: 20q11.22.
Variant type: single nucleotide variant.
Coding change: c.2867A>G on transcript NM_007186.6 (MANE Select); coding-DNA position 2867, A replaced by G.
Protein change: p.Lys956Arg; replaces lysine 956 with arginine.
Molecular consequence: missense variant.
Genome position (GRCh38, 1-based): chr20:35,491,324, A>G. VCF-style: chr20-35491324-A-G. GRCh37 (hg19) VCF-style: chr20-34079150-A-G.
Other names: c.971A>G, p.Lys324Arg (NM_001318219.1); short protein forms K324R, K956R.
Identifiers: ClinVar variation 1383369 (VCV001383369.6), dbSNP rs2063685156, ClinGen allele CA408740203.